The following is an entry in ClinVar:

NM_004656.4(BAP1):c.1268C>T (p.Thr423Ile)

Gene: BAP1 (BRCA1 associated deubiquitinase 1; minus strand). Cytogenetic location: 3p21.1.
Variant type: single nucleotide variant.
Coding change: c.1268C>T on transcript NM_004656.4 (MANE Select); coding-DNA position 1268, C replaced by T.
Protein change: p.Thr423Ile; replaces threonine 423 with isoleucine.
Molecular consequence: missense variant.
Genome position (GRCh38, 1-based): chr3:52,403,877, G>A on the plus strand (C>T on the coding strand, the complement: BAP1 is on the minus strand). VCF-style: chr3-52403877-G-A. GRCh37 (hg19) VCF-style: chr3-52437893-G-A.
Other names: c.1268C>T (NM_004656.2); short protein forms T423I.
Identifiers: ClinVar variation 641868 (VCV000641868.7), dbSNP rs115109161, ClinGen allele CA353102440.
Genomic context (GRCh38, chr3:52,403,877, plus strand): 5'-TTGGGCTGCAGCACTGACAGTTGCCCATCAGCAGAACCGCTCAATGCCCCTGGCTTCCCT[G>A]TTCCCTTCCCCTTATACCTGTGGGGCCCGAGAAGATGTGAAGCAAGGGAACGGGCCAGGT-3'
Protein context (NP_004647.1, residues 413-433): NSALRYKGKG[Thr423Ile]GKPGALSGSA

ClinVar aggregate classification (germline): Conflicting classifications of pathogenicity. Review status: criteria provided, conflicting classifications (1 of 4 stars). 2 submissions from 2 submitters: Uncertain significance (1); Benign (1). Last evaluated 2025-12-09.

Conditions:
Hereditary cancer-predisposing syndrome. Also called: Neoplastic Syndromes, Hereditary; Tumor predisposition; Hereditary neoplastic syndrome; Hereditary Cancer Syndrome. Identifiers: Orphanet 140162, MedGen C0027672, MeSH D009386, MONDO:0015356.
BAP1-related tumor predisposition syndrome (TPDS1). Also called: COMMON Syndrome; TUMOR PREDISPOSITION SYNDROME 1; BAP1 tumor predisposition syndrome; Tumor susceptibility linked to germline BAP1 mutations. Identifiers: Orphanet 289539, MedGen C3280492, MONDO:0013692, OMIM 614327.

Submissions (2):

Ambry Genetics
Classification: Benign for Hereditary cancer-predisposing syndrome. Last evaluated: 2025-12-09. Review status: criteria provided, single submitter. Criteria: Ambry Variant Classification Scheme 2023. Collection method: clinical testing. Allele origin: germline.

Labcorp Genetics (formerly Invitae), Labcorp
Classification: Uncertain significance for BAP1-related tumor predisposition syndrome. Last evaluated: 2021-09-10. Review status: criteria provided, single submitter. Criteria: Invitae Variant Classification Sherloc (09022015). Collection method: clinical testing. Allele origin: germline.
Comment: This sequence change replaces threonine with isoleucine at codon 423 of the BAP1 protein (p.Thr423Ile). The threonine residue is weakly conserved and there is a moderate physicochemical difference between threonine and isoleucine. This variant is not present in population databases (ExAC no frequency). This variant has not been reported in the literature in individuals affected with BAP1-related conditions. Algorithms developed to predict the effect of missense changes on protein structure and function (SIFT, PolyPhen-2, Align-GVGD) all suggest that this variant is likely to be tolerated. In summary, the available evidence is currently insufficient to determine the role of this variant in disease. Therefore, it has been classified as a Variant of Uncertain Significance.